The following is an entry in ClinVar:

ClinVar aggregate classification (germline): Uncertain significance. Review status: criteria provided, single submitter (1 of 4 stars). 2 submissions from 2 submitters: Uncertain significance (1). 1 of the submissions does not count toward it. Last evaluated 2026-01-15.

Conditions:
ERBB4-related disorder. Also called: ERBB4-related condition.

Allele frequency attached by ClinVar (database versions not stated): gnomAD exomes 0.00004 and 0.00012; gnomAD 0.00009 and 0.00011; ExAC 0.00012; TOPMed 0.00024.
gnomAD v4.1: 81 of 1,614,064 alleles (0.005%); highest among the groups gnomAD compares: Admixed American, 0.063%; no homozygotes.

Submissions (2):

Labcorp Genetics (formerly Invitae), Labcorp
Classification: Uncertain significance. Last evaluated: 2026-01-15. Review status: criteria provided, single submitter. Criteria: Invitae Variant Classification Sherloc (09022015). Collection method: clinical testing. Allele origin: germline.
Comment: This sequence change replaces glycine, which is neutral and non-polar, with valine, which is neutral and non-polar, at codon 1149 of the ERBB4 protein (p.Gly1149Val). This variant is present in population databases (rs770938636, gnomAD 0.07%), and has an allele count higher than expected for a pathogenic variant. This missense change has been observed in individual(s) with amyotrophic lateral sclerosis (PMID: 35426263, 35896380). ClinVar contains an entry for this variant (Variation ID: 1498815). An algorithm developed to predict the effect of missense changes on protein structure and function (PolyPhen-2) suggests that this variant is likely to be disruptive. In summary, the available evidence is currently insufficient to determine the role of this variant in disease. Therefore, it has been classified as a Variant of Uncertain Significance.

PreventionGenetics, part of Exact Sciences
Classification: Likely benign for ERBB4-related condition. Last evaluated: 2022-11-28. Review status: no assertion criteria provided. Collection method: clinical testing. Allele origin: germline. Not counted in ClinVar's aggregate classification.
Comment: This variant is classified as likely benign based on ACMG/AMP sequence variant interpretation guidelines (Richards et al. 2015 PMID: 25741868, with internal and published modifications).

Literature cited by the submitters: PubMed 35426263 (cited by Labcorp Genetics (formerly Invitae), Labcorp); PubMed 35896380 (cited by Labcorp Genetics (formerly Invitae), Labcorp).

NM_005235.3(ERBB4):c.3446G>T (p.Gly1149Val)

Gene: ERBB4 (erb-b2 receptor tyrosine kinase 4; minus strand). Cytogenetic location: 2q34.
Variant type: single nucleotide variant.
Coding change: c.3446G>T on transcript NM_005235.3 (MANE Select); coding-DNA position 3446, G replaced by T.
Protein change: p.Gly1149Val; replaces glycine 1149 with valine.
Molecular consequence: missense variant.
Genome position (GRCh38, 1-based): chr2:211,386,888, C>A on the plus strand (G>T on the coding strand, the complement: ERBB4 is on the minus strand). VCF-style: chr2-211386888-C-A. GRCh37 (hg19) VCF-style: chr2-212251613-C-A.
Other names: c.3398G>T, p.Gly1133Val (NM_001042599.2); short protein forms G1149V, G1133V.
Identifiers: ClinVar variation 1498815 (VCV001498815.10), dbSNP rs770938636, ClinGen allele CA2087439.